The following is an entry in ClinVar:

ClinVar aggregate classification (germline): Conflicting classifications of pathogenicity. Review status: criteria provided, conflicting classifications (1 of 4 stars). 8 submissions from 6 submitters: Uncertain significance (3); Likely benign (4). 1 of the submissions does not count toward it. Last evaluated 2026-01-27.

Conditions:
RYR1-related disorder. Also called: RYR1-related condition; RYR1-related disorders. Identifiers: MedGen CN239331.
Central core myopathy (CMYO1A). Also called: CONGENITAL MYOPATHY 1A, AUTOSOMAL DOMINANT, WITH SUSCEPTIBILITY TO MALIGNANT HYPERTHERMIA; Central core disease; Myopathy, central fibrillar. Identifiers: Orphanet 597, MedGen C5830701, MONDO:0007294, OMIM 117000.
Congenital multicore myopathy with external ophthalmoplegia (CMYO1B). Also called: Congenital myopathy 1B, autosomal recessive; Minicore myopathy; MULTIMINICORE DISEASE WITH EXTERNAL OPHTHALMOPLEGIA; MULTICORE MYOPATHY; Minicore myopathy with external ophthalmoplegia. Identifiers: Orphanet 598, Orphanet 98905, MedGen C1850674, MONDO:0009712, OMIM 255320, HP:0003789.
Malignant hyperthermia, susceptibility to, 1 (MHS1). Also called: Anesthesia related hyperthermia; Malignant hyperpyrexia; Fulminating hyperpyrexia; Pharmacogenic myopathy; RYR1-Related Malignant Hyperthermia Susceptibility; Malignant hyperthermia suceptibility 1. Identifiers: Orphanet 423, MedGen C2930980, MONDO:0007783, OMIM 145600.

Allele frequency attached by ClinVar (database versions not stated): TOPMed 0.00008; gnomAD 0.00009 and 0.00011; gnomAD exomes 0.00011; ExAC 0.00014; ESP Exome Variant Server 0.00015; 1000 Genomes Project 30x 0.00016; 1000 Genomes Project 0.00020.
gnomAD v4.1: 150 of 1,611,602 alleles (0.0093%); highest among the groups gnomAD compares: South Asian, 0.026%; 2 homozygotes.

Submissions (8):

Labcorp Genetics (formerly Invitae), Labcorp
Classification: Likely benign for RYR1-related disorder. Last evaluated: 2026-01-27. Review status: criteria provided, single submitter. Criteria: Invitae Variant Classification Sherloc (09022015). Collection method: clinical testing. Allele origin: germline.

Blueprint Genetics
Classification: Likely benign. Last evaluated: 2024-09-24. Review status: criteria provided, single submitter. Criteria: ACMG Guidelines, 2015. Collection method: clinical testing. Allele origin: germline.

Color Diagnostics, LLC DBA Color Health
Classification: Likely benign for Malignant hyperthermia, susceptibility to, 1. Last evaluated: 2022-09-20. Review status: criteria provided, single submitter. Criteria: ACMG Guidelines, 2015. Collection method: clinical testing. Allele origin: germline.

GeneDx
Classification: Likely benign. Last evaluated: 2021-04-16. Review status: criteria provided, single submitter. Criteria: GeneDx Variant Classification Process June 2021. Collection method: clinical testing. Allele origin: germline. Affected: yes.

Illumina Laboratory Services, Illumina
Classification: Uncertain significance for Central core myopathy. Last evaluated: 2018-01-12. Review status: criteria provided, single submitter. Criteria: ICSL Variant Classification Criteria 13 December 2019. Collection method: clinical testing. Allele origin: germline.

Illumina Laboratory Services, Illumina
Classification: Uncertain significance for Congenital multicore myopathy with external ophthalmoplegia. Last evaluated: 2018-01-12. Review status: criteria provided, single submitter. Criteria: ICSL Variant Classification Criteria 13 December 2019. Collection method: clinical testing. Allele origin: germline.

Illumina Laboratory Services, Illumina
Classification: Uncertain significance for Malignant hyperthermia, susceptibility to, 1. Last evaluated: 2018-01-12. Review status: criteria provided, single submitter. Criteria: ICSL Variant Classification Criteria 13 December 2019. Collection method: clinical testing. Allele origin: germline.

PreventionGenetics, part of Exact Sciences
Classification: Likely benign for RYR1-related condition. Last evaluated: 2022-04-11. Review status: no assertion criteria provided. Collection method: clinical testing. Allele origin: germline. Not counted in ClinVar's aggregate classification.
Comment: This variant is classified as likely benign based on ACMG/AMP sequence variant interpretation guidelines (Richards et al. 2015 PMID: 25741868, with internal and published modifications).

NM_000540.3(RYR1):c.6549-9C>T

Gene: RYR1 (ryanodine receptor 1; plus strand). Cytogenetic location: 19q13.2.
Variant type: single nucleotide variant.
Coding change: c.6549-9C>T on transcript NM_000540.3 (MANE Select); 9 bases into the intron before coding-DNA position 6549, C replaced by T.
Molecular consequence: intron variant.
Genome position (GRCh38, 1-based): chr19:38,496,206, C>T. VCF-style: chr19-38496206-C-T. GRCh37 (hg19) VCF-style: chr19-38986846-C-T.
Other names: c.6549-9C>T (NM_001042723.2).
Identifiers: ClinVar variation 386583 (VCV000386583.22), dbSNP rs370994573, ClinGen allele CA068423.